The following is an entry in ClinVar:

NM_000051.4(ATM):c.8787-11_8787-8dup

Genes: ATM (ATM serine/threonine kinase; plus strand), C11orf65 (chromosome 11 open reading frame 65; minus strand). Cytogenetic location: 11q22.3.
Variant type: Duplication.
Coding change: c.8787-11_8787-8dup on transcript NM_000051.4 (MANE Select); 11 bases into the intron before coding-DNA position 8787 through 8 bases into the intron before coding-DNA position 8787, 4 bases duplicated (TTTG; older notation c.8787-11_8787-8dupTTTG).
Molecular consequence: intron variant.
Genome position (GRCh38, 1-based): chr11:108,354,800-108,354,803, TTTG duplicated; duplicating any 4 consecutive bases within chr11:108,354,798-108,354,803 gives the same sequence; the c. name uses the placement nearest the transcript's 3' end. VCF-style (leftmost placement, unchanged base first): chr11-108354797-G-GTGTT. GRCh37 (hg19) VCF-style: chr11-108225524-G-GTGTT.
Other names: c.8787-11_8787-8dup (NM_001351834.2); c.640+31119_640+31122dup (NM_001330368.2); c.695-19509_695-19506dup (NM_001351110.2).
Identifiers: ClinVar variation 2186730 (VCV002186730.5), dbSNP rs1301658319, ClinGen allele CA601699231.
Genomic context (GRCh38, chr11:108,354,797, plus strand): 5'-GAGTATACAGATAAAGATACGTTGACAACATTGGTGTGTAACAAAATCCGTATTTATAAT[G>GTGTT]TGTTTGACTCTAGATGCTGTGAGAAAACCATGGAAGTGATGAGAAACTCTCAGGAAACTC-3'

ClinVar aggregate classification (germline): Likely benign. Review status: criteria provided, multiple submitters, no conflicts (2 of 4 stars). 3 submissions from 3 submitters: Likely benign (3). Last evaluated 2024-12-09.

Conditions:
Ataxia-telangiectasia syndrome (AT). Also called: ATAXIA-TELANGIECTASIA, COMPLEMENTATION GROUP A; ATAXIA-TELANGIECTASIA, FRESNO VARIANT; Ataxia-telangiectasia; Ataxia-telangiectasia, complementation group E; LOUIS-BAR SYNDROME; Cerebello-oculocutaneous telangiectasia. Identifiers: Orphanet 100, MedGen C0004135, MONDO:0008840, OMIM 208900.
Familial colorectal cancer type X. Identifiers: Orphanet 440437, MedGen C3896578, MONDO:0018604.
Familial cancer of breast. Also called: BREAST CANCER, FAMILIAL; hereditary breast carcinoma; Hereditary breast cancer. Identifiers: Orphanet 227535, MedGen C0346153, MONDO:0016419, OMIM 114480. Disease mechanism: loss of function.

Submissions (3):

Labcorp Genetics (formerly Invitae), Labcorp
Classification: Likely benign for Ataxia-telangiectasia syndrome. Last evaluated: 2024-12-09. Review status: criteria provided, single submitter. Criteria: Invitae Variant Classification Sherloc (09022015). Collection method: clinical testing. Allele origin: germline.

Myriad Genetics, Inc.
Classification: Likely benign for Familial cancer of breast. Last evaluated: 2024-06-21. Review status: criteria provided, single submitter. Criteria: Myriad Autosomal Dominant, Autosomal Recessive and X-Linked Classification Criteria (2023). Collection method: clinical testing. Allele origin: unknown.
Comment: This variant is considered likely benign. This variant is intronic and is not expected to impact mRNA splicing.

Department of Pathology and Laboratory Medicine, Sinai Health System
Classification: Likely benign for Familial colorectal cancer type X. Last evaluated: 2022-06-02. Review status: criteria provided, single submitter. Criteria: ACMG Guidelines, 2015. Collection method: clinical testing. Allele origin: germline. Affected: yes.